The following is an entry in ClinVar:

ClinVar aggregate classification (germline): Uncertain significance (1 of 4 stars; one submission).

Conditions:
Intellectual developmental disorder, autosomal dominant 1. Also called: MBD5 Haploinsufficiency; Intellectual disability, autosomal dominant 1. Identifiers: Orphanet 228402, MedGen C1969562, MONDO:0007974, OMIM 156200.

Submission:

Labcorp Genetics (formerly Invitae), Labcorp
Classification: Uncertain significance for Intellectual developmental disorder, autosomal dominant 1. Last evaluated: 2023-07-21. Review status: criteria provided, single submitter. Criteria: Invitae Variant Classification Sherloc (09022015). Collection method: clinical testing. Allele origin: germline.
Comment: In summary, the available evidence is currently insufficient to determine the role of this variant in disease. Therefore, it has been classified as a Variant of Uncertain Significance. Experimental studies and prediction algorithms are not available or were not evaluated, and the functional significance of this variant is currently unknown. This variant has not been reported in the literature in individuals affected with MBD5-related conditions. This variant is not present in population databases (gnomAD no frequency). This sequence change creates a premature translational stop signal (p.Gln1481*) in the MBD5 gene. While this is not anticipated to result in nonsense mediated decay, it is expected to disrupt the last 14 amino acid(s) of the MBD5 protein.

NM_001378120.1(MBD5):c.5140C>T (p.Gln1714Ter)

Gene: MBD5 (methyl-CpG binding domain protein 5; plus strand). Cytogenetic location: 2q23.1.
Variant type: single nucleotide variant.
Coding change: c.5140C>T on transcript NM_001378120.1 (MANE Select); coding-DNA position 5140, C replaced by T.
Protein change: p.Gln1714Ter; replaces glutamine 1714 with a stop codon.
Molecular consequence: nonsense.
Genome position (GRCh38, 1-based): chr2:148,512,897, C>T. VCF-style: chr2-148512897-C-T. GRCh37 (hg19) VCF-style: chr2-149270466-C-T.
Other names: c.4441C>T, p.Gln1481Ter (NM_018328.5); short protein forms Q1714*, Q1481*.
Identifiers: ClinVar variation 2796697 (VCV002796697.3), dbSNP rs2470193232, ClinGen allele CA348859388.